The following is an entry in ClinVar:

NM_003073.5(SMARCB1):c.244A>T (p.Thr82Ser)

Gene: SMARCB1 (SWI/SNF related BAF chromatin remodeling complex subunit B1; plus strand). Cytogenetic location: 22q11.23.
Variant type: single nucleotide variant.
Coding change: c.244A>T on transcript NM_003073.5 (MANE Select); coding-DNA position 244, A replaced by T.
Protein change: p.Thr82Ser; replaces threonine 82 with serine.
Molecular consequence: missense variant.
Genome position (GRCh38, 1-based): chr22:23,793,570, A>T. VCF-style: chr22-23793570-A-T. GRCh37 (hg19) VCF-style: chr22-24135757-A-T.
Other names: c.217A>T, p.Thr73Ser (NM_001007468.3, NM_001317946.2); c.244A>T, p.Thr82Ser (NM_001362877.2); short protein forms T82S, T73S.
Identifiers: ClinVar variation 4170250 (VCV004170250.1).

ClinVar aggregate classification (germline): Uncertain significance (1 of 4 stars; one submission).

Conditions:
Hereditary cancer-predisposing syndrome. Also called: Neoplastic Syndromes, Hereditary; Tumor predisposition; Hereditary Cancer Syndrome; Hereditary neoplastic syndrome. Identifiers: Orphanet 140162, MedGen C0027672, MeSH D009386, MONDO:0015356.

Submission:

Ambry Genetics
Classification: Uncertain significance for Hereditary cancer-predisposing syndrome. Last evaluated: 2025-08-28. Review status: criteria provided, single submitter. Criteria: Ambry Variant Classification Scheme 2023. Collection method: clinical testing. Allele origin: germline.
Comment: The p.T82S variant (also known as c.244A>T), located in coding exon 3 of the SMARCB1 gene, results from an A to T substitution at nucleotide position 244. The threonine at codon 82 is replaced by serine, an amino acid with similar properties. This amino acid position is conserved. In addition, the in silico prediction for this alteration is inconclusive. Based on the available evidence, the clinical significance of this variant remains unclear.